The following is an entry in ClinVar:

ClinVar aggregate classification (germline): Benign. Review status: criteria provided, multiple submitters, no conflicts (2 of 4 stars). 12 submissions from 12 submitters: Benign (9). 3 of the submissions do not count toward it. Last evaluated 2026-09-21.

Conditions:
Catecholaminergic polymorphic ventricular tachycardia (CVPT). Also called: Catecholamine-induced polymorphic ventricular tachycardia. Identifiers: Orphanet 3286, MedGen C5574922, MONDO:0017990.
Catecholaminergic polymorphic ventricular tachycardia 2. Also called: CASQ2-Related Catecholaminergic Polymorphic Ventricular Tachycardia; VENTRICULAR TACHYCARDIA, STRESS-INDUCED POLYMORPHIC 2. Identifiers: Orphanet 3286, MedGen C2677794, MONDO:0012762, OMIM 611938.
Catecholaminergic polymorphic ventricular tachycardia 1. Also called: VENTRICULAR TACHYCARDIA, CATECHOLAMINERGIC POLYMORPHIC, 1, WITH OR WITHOUT ATRIAL DYSFUNCTION AND/OR DILATED CARDIOMYOPATHY; RYR2-Related Catecholaminergic Polymorphic Ventricular Tachycardia; VENTRICULAR TACHYCARDIA, STRESS-INDUCED POLYMORPHIC 1. Identifiers: Orphanet 3286, MedGen C1631597, MONDO:0011484, OMIM 604772.

Allele frequency attached by ClinVar (database versions not stated): 1000 Genomes Project 30x 0.64069; TOPMed 0.60945; ESP Exome Variant Server 0.59926; 1000 Genomes Project 0.64277.
gnomAD v4.1: 887,512 of 1,569,936 alleles (57%); highest among the groups gnomAD compares: African/African-American, 69%; 252,790 homozygotes.

Submissions (12):

Molecular Diagnostic Laboratory for Inherited Cardiovascular Disease, Montreal Heart Institute
Classification: Benign. Last evaluated: 2026-09-21. Review status: criteria provided, single submitter. Criteria: ACMG Guidelines, 2015. Collection method: clinical testing. Allele origin: germline. Affected: no.
Comment: BA1

Labcorp Genetics (formerly Invitae), Labcorp
Classification: Benign for Catecholaminergic polymorphic ventricular tachycardia 1. Last evaluated: 2026-02-04. Review status: criteria provided, single submitter. Criteria: Invitae Variant Classification Sherloc (09022015). Collection method: clinical testing. Allele origin: germline.

Blueprint Genetics
Classification: Benign. Last evaluated: 2024-11-26. Review status: criteria provided, single submitter. Criteria: ACMG Guidelines, 2015. Collection method: clinical testing. Allele origin: germline.

Genome-Nilou Lab
Classification: Benign for Catecholaminergic polymorphic ventricular tachycardia 2. Last evaluated: 2021-07-14. Review status: criteria provided, single submitter. Criteria: ACMG Guidelines, 2015. Collection method: clinical testing. Allele origin: germline. Affected: no.

Clinical Genetics DNA and cytogenetics Diagnostics Lab, Erasmus MC, Erasmus Medical Center
Classification: Benign for Catecholaminergic polymorphic ventricular tachycardia 2. Last evaluated: 2015-09-21. Review status: criteria provided, single submitter. Criteria: ACGS Guidelines, 2013. Collection method: clinical testing. Allele origin: germline. Affected: yes. Study: VKGL Data-share Consensus.

GeneDx
Classification: Benign. Last evaluated: 2015-03-03. Review status: criteria provided, single submitter. Criteria: GeneDx Variant Classification Process June 2021. Collection method: clinical testing. Allele origin: germline. Affected: yes.

Genome Diagnostics Laboratory, University Medical Center Utrecht
Classification: Benign for Catecholaminergic polymorphic ventricular tachycardia 2. Last evaluated: 2014-10-09. Review status: criteria provided, single submitter. Criteria: ACGS Guidelines, 2013. Collection method: clinical testing. Allele origin: germline. Affected: yes. Study: VKGL Data-share Consensus.

Breakthrough Genomics
Classification: Benign. Review status: criteria provided, single submitter. Criteria: ACMG Guidelines, 2015. Collection method: not provided. Allele origin: germline. Inheritance: Autosomal recessive inheritance. Affected: yes.

PreventionGenetics, part of Exact Sciences
Classification: Benign. Review status: criteria provided, single submitter. Criteria: ACMG Guidelines, 2015. Collection method: clinical testing. Allele origin: germline.

Cohesion Phenomics
Classification: Likely benign for Catecholaminergic polymorphic ventricular tachycardia. Last evaluated: 2022-09-23. Review status: no assertion criteria provided. Criteria: ACMG Guidelines, 2015. Collection method: clinical testing. Allele origin: germline. Affected: yes. Not counted in ClinVar's aggregate classification.

Clinical Genetics, Academic Medical Center
Classification: Benign. Review status: no assertion criteria provided. Collection method: clinical testing. Allele origin: germline. Affected: yes. Study: VKGL Data-share Consensus. Not counted in ClinVar's aggregate classification.

Diagnostic Laboratory, Department of Genetics, University Medical Center Groningen
Classification: Benign for Catecholaminergic polymorphic ventricular tachycardia 2. Review status: no assertion criteria provided. Collection method: clinical testing. Allele origin: germline. Affected: yes. Study: VKGL Data-share Consensus. Not counted in ClinVar's aggregate classification.

NM_001232.4(CASQ2):c.784-17T>A

Gene: CASQ2 (calsequestrin 2; minus strand). Cytogenetic location: 1p13.1.
Variant type: single nucleotide variant.
Coding change: c.784-17T>A on transcript NM_001232.4 (MANE Select); 17 bases into the intron before coding-DNA position 784, T replaced by A.
Molecular consequence: intron variant.
Genome position (GRCh38, 1-based): chr1:115,717,911, A>T on the plus strand (T>A on the coding strand, the complement: CASQ2 is on the minus strand). VCF-style: chr1-115717911-A-T. GRCh37 (hg19) VCF-style: chr1-116260532-A-T.
Identifiers: ClinVar variation 257652 (VCV000257652.24), dbSNP rs2997741, ClinGen allele CA1023739.